The following is an entry in ClinVar:

ClinVar aggregate classification (germline): Uncertain significance (1 of 4 stars; one submission).

Conditions:
Spermatogenic failure 18. Identifiers: MedGen C4539783, MONDO:0054615, OMIM 617576.
Ciliary dyskinesia, primary, 37 (CILD37). Also called: CILIARY DYSKINESIA, PRIMARY, 37, WITH OR WITHOUT SITUS INVERSUS. Identifiers: MedGen C4539798, MONDO:0033204, OMIM 617577.

Submission:

Labcorp Genetics (formerly Invitae), Labcorp
Classification: Uncertain significance for Ciliary dyskinesia, primary, 37; Spermatogenic failure 18. Last evaluated: 2020-10-25. Review status: criteria provided, single submitter. Criteria: Invitae Variant Classification Sherloc (09022015). Collection method: clinical testing. Allele origin: germline.
Comment: Algorithms developed to predict the effect of missense changes on protein structure and function are either unavailable or do not agree on the potential impact of this missense change (SIFT: "Deleterious"; PolyPhen-2: "Probably Damaging"; Align-GVGD: "Class C0"). This sequence change replaces asparagine with lysine at codon 3241 of the DNAH1 protein (p.Asn3241Lys). The asparagine residue is highly conserved and there is a moderate physicochemical difference between asparagine and lysine. This variant is not present in population databases (ExAC no frequency). This variant has not been reported in the literature in individuals with DNAH1-related conditions. In summary, the available evidence is currently insufficient to determine the role of this variant in disease. Therefore, it has been classified as a Variant of Uncertain Significance.

NM_015512.5(DNAH1):c.9723C>A (p.Asn3241Lys)

Gene: DNAH1 (dynein axonemal heavy chain 1; plus strand). Cytogenetic location: 3p21.1.
Variant type: single nucleotide variant.
Coding change: c.9723C>A on transcript NM_015512.5 (MANE Select); coding-DNA position 9723, C replaced by A.
Protein change: p.Asn3241Lys; replaces asparagine 3241 with lysine.
Molecular consequence: missense variant.
Genome position (GRCh38, 1-based): chr3:52,391,036, C>A. VCF-style: chr3-52391036-C-A. GRCh37 (hg19) VCF-style: chr3-52425052-C-A.
Other names: short protein forms N3241K.
Identifiers: ClinVar variation 1021729 (VCV001021729.5), dbSNP rs1704351714, ClinGen allele CA353197681.